The following is an entry in ClinVar:

NM_058216.3(RAD51C):c.*6A>C

Gene: RAD51C (RAD51 paralog C; plus strand). Cytogenetic location: 17q22.
Variant type: single nucleotide variant.
Coding change: c.*6A>C on transcript NM_058216.3 (MANE Select); 6 bases downstream of the stop codon, A replaced by C.
Molecular consequence: 3 prime UTR variant. On other transcripts: non-coding transcript variant (1).
Genome position (GRCh38, 1-based): chr17:58,734,228, A>C. VCF-style: chr17-58734228-A-C. GRCh37 (hg19) VCF-style: chr17-56811589-A-C.
Identifiers: ClinVar variation 3904512 (VCV003904512.1).

ClinVar aggregate classification (germline): Benign (1 of 4 stars; one submission).

Conditions:
Breast-ovarian cancer, familial, susceptibility to, 3. Also called: RAD51C-Related Breast/Ovarian Cancer. Identifiers: Orphanet 145, MedGen C3150659, MONDO:0013253, OMIM 613399.

Submission:

Myriad Genetics, Inc.
Classification: Benign for Breast-ovarian cancer, familial, susceptibility to, 3. Last evaluated: 2025-02-19. Review status: criteria provided, single submitter. Criteria: Myriad Autosomal Dominant, Autosomal Recessive and X-Linked Classification Criteria (2023). Collection method: clinical testing. Allele origin: unknown.
Comment: This variant is considered benign. This variant occurs in the non-coding 3' untranslated region of the gene, and is not expected to impact protein function.